The following is an entry in ClinVar:

NM_006445.4(PRPF8):c.6949T>A (p.Phe2317Ile)

Gene: PRPF8 (pre-mRNA processing factor 8; minus strand). Cytogenetic location: 17p13.3.
Variant type: single nucleotide variant.
Coding change: c.6949T>A on transcript NM_006445.4 (MANE Select); coding-DNA position 6949, T replaced by A.
Protein change: p.Phe2317Ile; replaces phenylalanine 2317 with isoleucine.
Molecular consequence: missense variant.
Genome position (GRCh38, 1-based): chr17:1,650,861, A>T on the plus strand (T>A on the coding strand, the complement: PRPF8 is on the minus strand). VCF-style: chr17-1650861-A-T. GRCh37 (hg19) VCF-style: chr17-1554155-A-T.
Other names: short protein forms F2317I.
Identifiers: ClinVar variation 1002345 (VCV001002345.5), dbSNP rs1027069873, ClinGen allele CA286849526.
Genomic context (GRCh38, chr17:1,650,861, plus strand): 5'-GTCAGGCATACAGGTCCTCCCGATCCGCAGAGTAAACCTCCCCCTCCTGCAGGAGAGCAA[A>T]GTTGAGGAAGTGAGAGGGCCTGTGCACCTCGTGGTAGAACTCTTTGGGGTTCGCCAGCTG-3'
Protein context (NP_006436.3, residues 2307-2327): EVHRPSHFLN[Phe2317Ile]ALLQEGEVYS

ClinVar aggregate classification (germline): Uncertain significance (1 of 4 stars; one submission).

Submission:

Labcorp Genetics (formerly Invitae), Labcorp
Classification: Uncertain significance. Last evaluated: 2020-03-14. Review status: criteria provided, single submitter. Criteria: Invitae Variant Classification Sherloc (09022015). Collection method: clinical testing. Allele origin: germline.
Comment: In summary, the available evidence is currently insufficient to determine the role of this variant in disease. Therefore, it has been classified as a Variant of Uncertain Significance. Algorithms developed to predict the effect of missense changes on protein structure and function are either unavailable or do not agree on the potential impact of this missense change (SIFT: "Deleterious"; PolyPhen-2: "Probably Damaging"; Align-GVGD: "Class C0"). This variant has not been reported in the literature in individuals with PRPF8-related conditions. This variant is not present in population databases (ExAC no frequency). This sequence change replaces phenylalanine with isoleucine at codon 2317 of the PRPF8 protein (p.Phe2317Ile). The phenylalanine residue is highly conserved and there is a small physicochemical difference between phenylalanine and isoleucine.